The following is an entry in ClinVar:

ClinVar aggregate classification (germline): Likely benign. Review status: criteria provided, multiple submitters, no conflicts (2 of 4 stars). 4 submissions from 4 submitters: Likely benign (3). 1 of the submissions does not count toward it. Last evaluated 2026-07-01.

Conditions:
PPP3CA-related disorder. Also called: PPP3CA-related disorders; PPP3CA-related condition.

Allele frequency attached by ClinVar (database versions not stated): gnomAD exomes 0.00007 and 0.00024; ESP Exome Variant Server 0.00008; gnomAD 0.00009 and 0.00011; TOPMed 0.00009; ExAC 0.00011; 1000 Genomes Project 0.00020; 1000 Genomes Project 30x 0.00031.
gnomAD v4.1: 118 of 1,606,926 alleles (0.0073%); highest among the groups gnomAD compares: Admixed American, 0.15%; 1 homozygote.

Submissions (4):

CeGaT Center for Human Genetics Tuebingen
Classification: Likely benign. Last evaluated: 2026-07-01. Review status: criteria provided, single submitter. Criteria: CeGaT Center For Human Genetics Tuebingen Variant Classification Criteria Version 2. Collection method: clinical testing. Allele origin: germline. Affected: yes. Observed: 1 variant allele.
Comment: PPP3CA: BS1

Labcorp Genetics (formerly Invitae), Labcorp
Classification: Likely benign. Last evaluated: 2026-01-17. Review status: criteria provided, single submitter. Criteria: Invitae Variant Classification Sherloc (09022015). Collection method: clinical testing. Allele origin: germline.

Blueprint Genetics
Classification: Likely benign. Last evaluated: 2020-02-25. Review status: criteria provided, single submitter. Criteria: ACMG Guidelines, 2015. Collection method: clinical testing. Allele origin: germline.

PreventionGenetics, part of Exact Sciences
Classification: Likely benign for PPP3CA-related condition. Last evaluated: 2022-07-27. Review status: no assertion criteria provided. Collection method: clinical testing. Allele origin: germline. Not counted in ClinVar's aggregate classification.
Comment: This variant is classified as likely benign based on ACMG/AMP sequence variant interpretation guidelines (Richards et al. 2015 PMID: 25741868, with internal and published modifications).

NM_000944.5(PPP3CA):c.518G>A (p.Arg173His)

Gene: PPP3CA (protein phosphatase 3 catalytic subunit alpha; minus strand). Cytogenetic location: 4q24.
Variant type: single nucleotide variant.
Coding change: c.518G>A on transcript NM_000944.5 (MANE Select); coding-DNA position 518, G replaced by A.
Protein change: p.Arg173His; replaces arginine 173 with histidine.
Molecular consequence: missense variant.
Genome position (GRCh38, 1-based): chr4:101,098,491, C>T on the plus strand (G>A on the coding strand, the complement: PPP3CA is on the minus strand). VCF-style: chr4-101098491-C-T. GRCh37 (hg19) VCF-style: chr4-102019648-C-T.
Other names: c.518G>A, p.Arg173His (NM_001130691.2, NM_001130692.2); c.518G>A (NM_000944.4); short protein forms R173H.
Identifiers: ClinVar variation 1543291 (VCV001543291.12), dbSNP rs142836504, ClinGen allele CA3024467.
Genomic context (GRCh38, chr4:101,098,491, plus strand): 5'-TGGTTCATCAGGGCAGCCAGGGGAAGGCAGTCAAAGGCATCCATACAGGCATCATATACG[C>T]GTTCTGAATACTTTATTTTACCTTTTAGAAGTGATTAAAAGAATACTTATGATTTATAGG-3'
Protein context (NP_000935.1, residues 163-183): KQECKIKYSE[Arg173His]VYDACMDAFD